The following is an entry in ClinVar:

NM_000090.4(COL3A1):c.1609G>A (p.Gly537Ser)

Gene: COL3A1 (collagen type III alpha 1 chain; plus strand). Cytogenetic location: 2q32.2.
Variant type: single nucleotide variant.
Coding change: c.1609G>A on transcript NM_000090.4 (MANE Select); coding-DNA position 1609, G replaced by A.
Protein change: p.Gly537Ser; replaces glycine 537 with serine.
Molecular consequence: missense variant.
Genome position (GRCh38, 1-based): chr2:188,996,125, G>A. VCF-style: chr2-188996125-G-A. GRCh37 (hg19) VCF-style: chr2-189860851-G-A.
Other names: short protein forms G537S.
Identifiers: ClinVar variation 925216 (VCV000925216.6), dbSNP rs1688304002, ClinGen allele CA349852347.

ClinVar aggregate classification (germline): Likely pathogenic (1 of 4 stars; one submission).

Conditions:
Familial thoracic aortic aneurysm and aortic dissection (TAAD). Also called: Thoracic aortic aneurysms and dissections. Identifiers: Orphanet 91387, MedGen C4707243, MONDO:0019625.

Submission:

Color Diagnostics, LLC DBA Color Health
Classification: Likely pathogenic for Familial thoracic aortic aneurysm and aortic dissection. Last evaluated: 2025-05-19. Review status: criteria provided, single submitter. Criteria: ACMG Guidelines, 2015. Collection method: clinical testing. Allele origin: germline.
Comment: This variant changes one of the conserved glycine residues within the Gly-Xaa-Yaa repeat motifs of the triple helical domain of the COL3A1 protein. Although functional studies have not been reported for this variant, conserved glycine residues within the Gly-Xaa-Yaa repeats are required for the structural stability of fibrillar collagens (PMID: 7695699, 8218237, 19344236) and missense variants occurring at these glycine residues have been associated with disease (PMID: 24922459, 25758994). Computational prediction suggests that this variant may have a deleterious impact on protein structure and function. This variant has not been reported in individuals affected with COL3A1-related disorders in the literature. This variant has not been identified in the general population by the Genome Aggregation Database (gnomAD). A different variant affecting the same codon, p.Gly537Val, is considered to be disease-causing (ClinVar variation ID: 3658822), suggesting that glycine at this position is important for COL3A1 protein function. Based on the available evidence, this variant is classified as Likely Pathogenic.

Literature cited by the submitters: PubMed 7695699; PubMed 8218237; PubMed 19344236; PubMed 24922459; PubMed 25758994.